The following is an entry in ClinVar:

NM_001170535.3(ATAD3A):c.1687C>T (p.Gln563Ter)

Gene: ATAD3A (ATPase family AAA domain containing 3A; plus strand). Cytogenetic location: 1p36.33.
Variant type: single nucleotide variant.
Coding change: c.1687C>T on transcript NM_001170535.3 (MANE Select); coding-DNA position 1687, C replaced by T.
Protein change: p.Gln563Ter; replaces glutamine 563 with a stop codon.
Molecular consequence: nonsense.
Genome position (GRCh38, 1-based): chr1:1,533,998, C>T. VCF-style: chr1-1533998-C-T. GRCh37 (hg19) VCF-style: chr1-1469378-C-T.
Other names: c.1450C>T, p.Gln484Ter (NM_001170536.3); c.1831C>T, p.Gln611Ter (NM_018188.5); short protein forms Q484*, Q563*, Q611*.
Identifiers: ClinVar variation 3365821 (VCV003365821.1).

ClinVar aggregate classification (germline): Uncertain significance (1 of 4 stars; one submission).

Submission:

GeneDx
Classification: Uncertain significance. Last evaluated: 2023-12-18. Review status: criteria provided, single submitter. Criteria: GeneDx Variant Classification Process June 2021. Collection method: clinical testing. Allele origin: germline. Affected: yes.
Comment: Nonsense variant predicted to result in protein truncation as the last 24 amino acids are lost, although loss-of-function variants have not been reported downstream of this position in the protein; Has not been previously published as pathogenic or benign to our knowledge